The following is an entry in ClinVar:

ClinVar aggregate classification (germline): Conflicting classifications of pathogenicity. Review status: criteria provided, conflicting classifications (1 of 4 stars). 4 submissions from 4 submitters: Pathogenic (1); Likely pathogenic (1); Uncertain significance (1). 1 of the submissions does not count toward it. Last evaluated 2025-10-12.

Conditions:
Retinitis pigmentosa (RP). Identifiers: Orphanet 791, MedGen C0035334, MeSH D012174, MONDO:0019200, OMIM 268000. Inheritance: Autosomal dominant, autosomal recessive and X linked inheritance.
Usher syndrome type 2A. Also called: RETINAL DISEASE IN USHER SYNDROME TYPE IIA, MODIFIER OF; USHER SYNDROME, TYPE IIA. Identifiers: Orphanet 231178, Orphanet 886, MedGen C1848634, MONDO:0010169, OMIM 276901.

Allele frequency attached by ClinVar (database versions not stated): ExAC 0.00001; TOPMed 0.00001; gnomAD 0.00002 and 0.00003; gnomAD exomes 0.00002; 1000 Genomes Project 30x 0.00016; 1000 Genomes Project 0.00020.
gnomAD v4.1: 32 of 1,614,058 alleles (0.002%); highest among the groups gnomAD compares: Admixed American, 0.0033%; no homozygotes.

Submissions (4):

Labcorp Genetics (formerly Invitae), Labcorp
Classification: Pathogenic. Last evaluated: 2025-10-12. Review status: criteria provided, single submitter. Criteria: Invitae Variant Classification Sherloc (09022015). Collection method: clinical testing. Allele origin: germline.
Comment: This sequence change replaces cysteine, which is neutral and slightly polar, with tyrosine, which is neutral and polar, at codon 777 of the USH2A protein (p.Cys777Tyr). This variant is present in population databases (rs192119790, gnomAD 0.008%). This missense change has been observed in individual(s) with clinical features of retinitis pigmentosa and/or inherited retinal diseases (PMID: 36460718, 36819107; internal data). In at least one individual the data is consistent with being in trans (on the opposite chromosome) from a pathogenic variant. ClinVar contains an entry for this variant (Variation ID: 959217). Invitae Evidence Modeling of protein sequence and biophysical properties (such as structural, functional, and spatial information, amino acid conservation, physicochemical variation, residue mobility, and thermodynamic stability) indicates that this missense variant is expected to disrupt USH2A protein function with a positive predictive value of 95%. For these reasons, this variant has been classified as Pathogenic.

Blueprint Genetics
Classification: Uncertain significance. Last evaluated: 2021-08-24. Review status: criteria provided, single submitter. Criteria: ACMG Guidelines, 2015. Collection method: clinical testing. Allele origin: germline.

INSERM U1051, Institut des Neurosciences de Montpellier
Classification: Likely pathogenic for Retinitis pigmentosa. Last evaluated: 2020-06-24. Review status: criteria provided, single submitter. Criteria: ACMG Guidelines, 2015. Collection method: research. Allele origin: inherited. Affected: yes.

Natera, Inc.
Classification: Uncertain significance for Usher syndrome type 2A. Last evaluated: 2020-06-04. Review status: flagged submission. Collection method: clinical testing. Allele origin: germline. Not counted in ClinVar's aggregate classification.
ClinVar note: Reason: Claim with insufficient supporting evidence

Literature cited by the submitters: PubMed 36460718 (cited by Labcorp Genetics (formerly Invitae), Labcorp); PubMed 36819107 (cited by Labcorp Genetics (formerly Invitae), Labcorp).

NM_206933.4(USH2A):c.2330G>A (p.Cys777Tyr)

Genes: USH2A (usherin; minus strand), LOC122152296 (Sharpr-MPRA regulatory region 8762; plus strand). Cytogenetic location: 1q41.
Variant type: single nucleotide variant.
Coding change: c.2330G>A on transcript NM_206933.4 (MANE Select); coding-DNA position 2330, G replaced by A.
Protein change: p.Cys777Tyr; replaces cysteine 777 with tyrosine.
Molecular consequence: missense variant.
Genome position (GRCh38, 1-based): chr1:216,247,064, C>T on the plus strand (G>A on the coding strand, the complement: USH2A is on the minus strand). VCF-style: chr1-216247064-C-T. GRCh37 (hg19) VCF-style: chr1-216420406-C-T.
Other names: c.2330G>A, p.Cys777Tyr (NM_007123.6); short protein forms C777Y.
Identifiers: ClinVar variation 959217 (VCV000959217.10), dbSNP rs192119790, ClinGen allele CA1396247.